The following is an entry in ClinVar:

ClinVar aggregate classification (germline): Likely pathogenic (1 of 4 stars; one submission).

Conditions:
Hypokalemic periodic paralysis, type 1. Also called: Hypokalemic Periodic Paralysis Type 1 (AD); HypoPP. Identifiers: Orphanet 681, MedGen C3714580, MONDO:0042979, OMIM 170400.

Submission:

Juno Genomics, Hangzhou Juno Genomics, Inc
Classification: Likely pathogenic for Hypokalemic periodic paralysis, type 1. Review status: criteria provided, single submitter. Criteria: ACMG Guidelines, 2015. Collection method: clinical testing. Allele origin: germline.
Comment: Absent from controls (or at extremely low frequency if recessive) in Genome Aggregation Database.;Null variant in a gene where loss of function (LOF) is a known mechanism of disease.

NM_000069.3(CACNA1S):c.1393+1G>T

Gene: CACNA1S (calcium voltage-gated channel subunit alpha1 S; minus strand). Cytogenetic location: 1q32.1.
Variant type: single nucleotide variant.
Coding change: c.1393+1G>T on transcript NM_000069.3 (MANE Select); the canonical splice donor site of the intron after coding-DNA position 1393, G replaced by T.
Molecular consequence: splice donor variant.
Genome position (GRCh38, 1-based): chr1:201,083,161, C>A on the plus strand (G>T on the coding strand, the complement: CACNA1S is on the minus strand). VCF-style: chr1-201083161-C-A. GRCh37 (hg19) VCF-style: chr1-201052289-C-A.
Identifiers: ClinVar variation 3382562 (VCV003382562.3).
Genomic context (GRCh38, chr1:201,083,161, plus strand): 5'-TTTTGACATCAAGCCACAGCCACATGTGCCCTCCTCCCGGCTTCACTCCGTTCCGCCTCA[C>A]CTTGCAAACGGGTCAGCCAGAGAGGCTGGTTGTGGTGCTCTGAGGCGATAGACAGGGTGT-3'